The following is an entry in ClinVar:

ClinVar aggregate classification (germline): Pathogenic (1 of 4 stars; one submission).

Allele frequency attached by ClinVar (database versions not stated): TOPMed below 0.00001; gnomAD 0.00001.

Submission:

Labcorp Genetics (formerly Invitae), Labcorp
Classification: Pathogenic. Last evaluated: 2023-07-24. Review status: criteria provided, single submitter. Criteria: Invitae Variant Classification Sherloc (09022015). Collection method: clinical testing. Allele origin: germline.
Comment: This sequence change creates a premature translational stop signal (p.Gly159Valfs*4) in the DGUOK gene. It is expected to result in an absent or disrupted protein product. Loss-of-function variants in DGUOK are known to be pathogenic (PMID: 18205204). This variant is not present in population databases (gnomAD no frequency). This variant has not been reported in the literature in individuals affected with DGUOK-related conditions. Algorithms developed to predict the effect of sequence changes on RNA splicing suggest that this variant may disrupt the consensus splice site. For these reasons, this variant has been classified as Pathogenic.

Literature cited by the submitters: PubMed 18205204.

NM_080916.3(DGUOK):c.476_477del (p.Gly159fs)

Gene: DGUOK (deoxyguanosine kinase; plus strand). Cytogenetic location: 2p13.1.
Variant type: Deletion.
Coding change: c.476_477del on transcript NM_080916.3 (MANE Select); coding-DNA positions 476 to 477, 2 bases deleted (GT; older notation c.476_477delGT).
Protein change: p.Gly159fs; shifts the reading frame from glycine 159.
Molecular consequence: frameshift variant. On other transcripts: non-coding transcript variant (1), intron variant (2).
Genome position (GRCh38, 1-based): chr2:73,950,617-73,950,618, GT deleted. VCF-style (leftmost placement, unchanged base first): chr2-73950616-GGT-G. GRCh37 (hg19) VCF-style: chr2-74177743-GGT-G.
Other names: c.185_186del, p.Gly62fs (NM_001318860.2, NM_001318861.2); c.167_168del, p.Gly56fs (NM_001318862.2, NM_001318863.2); c.443+3711_443+3712del (NM_080918.3); c.425+3729_425+3730del (NM_001318859.2); short protein forms G56fs, G62fs, G159fs.
Identifiers: ClinVar variation 2990374 (VCV002990374.3), dbSNP rs1682638359, ClinGen allele CA1032235644.